The following is an entry in ClinVar:

NM_181552.4(CUX1):c.4242_4260del (p.Ala1415fs)

Gene: CUX1 (cut like homeobox 1; plus strand). Cytogenetic location: 7q22.1.
Variant type: Deletion.
Coding change: c.4242_4260del on transcript NM_181552.4 (MANE Select); coding-DNA positions 4242 to 4260, 19 bases deleted (CGCGGCCCCCGAGGACGCC).
Protein change: p.Ala1415fs; shifts the reading frame from alanine 1415.
Molecular consequence: frameshift variant. On other transcripts: intron variant (5).
Genome position (GRCh38, 1-based): chr7:102,248,766-102,248,784, CGCGGCCCCCGAGGACGCC deleted; deleting any 19 consecutive bases within chr7:102,248,762-102,248,784 gives the same sequence; the c. name uses the placement nearest the transcript's 3' end. VCF-style (leftmost placement, unchanged base first): chr7-102248761-GCGCCCGCGGCCCCCGAGGA-G. GRCh37 (hg19) VCF-style: chr7-101892041-GCGCCCGCGGCCCCCGAGGA-G.
Other names: c.4275_4293del, p.Ala1426fs (NM_001202543.2); c.1256-24600_1256-24582del (NM_001913.5); c.1250-24600_1250-24582del (NM_181500.4); c.1118-24600_1118-24582del (NM_001202545.3); c.1208-24600_1208-24582del (NM_001202544.3); c.1139-24600_1139-24582del (NM_001202546.3); short protein forms A1426fs, A1415fs.
Identifiers: ClinVar variation 3498725 (VCV003498725.1).

ClinVar aggregate classification (germline): Likely pathogenic (1 of 4 stars; one submission).

Conditions:
Inborn genetic diseases. Identifiers: MedGen C0950123, MeSH D030342.

Submission:

Ambry Genetics
Classification: Likely pathogenic for Inborn genetic diseases. Last evaluated: 2024-08-30. Review status: criteria provided, single submitter. Criteria: Ambry Variant Classification Scheme 2023. Collection method: clinical testing. Allele origin: germline.
Comment: The c.4275_4293del19 (p.A1426Lfs*64) alteration, located in exon 24 (coding exon 24) of the CUX1 gene, consists of a deletion of 19 nucleotides from position 4275 to 4293, causing a translational frameshift with a predicted alternate stop codon after 64 amino acids. This alteration occurs at the 3' terminus of the CUX1 gene, is not expected to trigger nonsense-mediated mRNA decay, and only impacts the last 6% of the protein. However, premature stop codons are typically deleterious in nature and a significant portion of the protein is affected (Ambry internal data). This variant was not reported in population-based cohorts in the Genome Aggregation Database (gnomAD). Based on the available evidence, this alteration is classified as likely pathogenic.